The following is an entry in ClinVar:

ClinVar aggregate classification (germline): Uncertain significance (1 of 4 stars; one submission).

Submission:

Ambry Genetics
Classification: Uncertain significance. Last evaluated: 2021-01-20. Review status: criteria provided, single submitter. Criteria: Ambry Variant Classification Scheme 2023. Collection method: clinical testing. Allele origin: germline.
Comment: The p.W68* variant (also known as c.203G>A), located in coding exon 2 of the RECQL gene, results from a G to A substitution at nucleotide position 203. This changes the amino acid from a tryptophan to a stop codon within coding exon 2. This alteration is expected to result in premature protein truncation or nonsense-mediated mRNA decay. However, the gene-disease association for RECQL is limited. Since supporting evidence is limited at this time, the clinical significance of this alteration remains unclear.

NM_002907.4(RECQL):c.203G>A (p.Trp68Ter)

Gene: RECQL (RecQ like helicase; minus strand). Cytogenetic location: 12p12.1.
Variant type: single nucleotide variant.
Coding change: c.203G>A on transcript NM_002907.4 (MANE Select); coding-DNA position 203, G replaced by A.
Protein change: p.Trp68Ter; replaces tryptophan 68 with a stop codon.
Molecular consequence: nonsense.
Genome position (GRCh38, 1-based): chr12:21,491,530, C>T on the plus strand (G>A on the coding strand, the complement: RECQL is on the minus strand). VCF-style: chr12-21491530-C-T. GRCh37 (hg19) VCF-style: chr12-21644464-C-T.
Other names: c.203G>A, p.Trp68Ter (NM_032941.3); short protein forms W68*.
Identifiers: ClinVar variation 1784879 (VCV001784879.2), dbSNP rs2540404357, ClinGen allele CA384134101.
Genomic context (GRCh38, chr12:21,491,530, plus strand): 5'-AAATATGAGAAGAAATAAAACTAGCAAAAAAAAAAAAAAAAAAGTTAACCTTCTTTATTC[C>T]AAGCGGCAGGTGAAGAATCATATTCATTGCTTGCCCCGGCATCAGAATCCTCTAAACACT-3'